The following is an entry in ClinVar:

ClinVar aggregate classification (germline): Uncertain significance (1 of 4 stars; one submission).

Conditions:
Emery-Dreifuss muscular dystrophy 4, autosomal dominant (EDMD4). Also called: EMERY-DREIFUSS MUSCULAR DYSTROPHY 4 WITH VARIABLE FEATURES. Identifiers: Orphanet 261, MedGen C2751807, MONDO:0013071, OMIM 612998.
Autosomal recessive ataxia, Beauce type. Also called: Spinocerebellar ataxia, autosomal recessive 8; ATAXIA, RECESSIVE, OF BEAUCE; SYNE1-Related Autosomal Recessive Cerebellar Ataxia; SYNE1 Deficiency. Identifiers: Orphanet 88644, MedGen C1853116, MONDO:0012549, OMIM 610743.

gnomAD v4.1: 1 of 1,564,770 alleles (0.000064%); no homozygotes.

Submission:

Labcorp Genetics (formerly Invitae), Labcorp
Classification: Uncertain significance for Emery-Dreifuss muscular dystrophy 4, autosomal dominant; Autosomal recessive ataxia, Beauce type. Last evaluated: 2024-08-05. Review status: criteria provided, single submitter. Criteria: Invitae Variant Classification Sherloc (09022015). Collection method: clinical testing. Allele origin: germline.
Comment: This sequence change falls in intron 112 of the SYNE1 gene. It does not directly change the encoded amino acid sequence of the SYNE1 protein. It affects a nucleotide within the consensus splice site. This variant is not present in population databases (gnomAD no frequency). This variant has not been reported in the literature in individuals affected with SYNE1-related conditions. Variants that disrupt the consensus splice site are a relatively common cause of aberrant splicing (PMID: 17576681, 9536098). Algorithms developed to predict the effect of sequence changes on RNA splicing suggest that this variant may disrupt the consensus splice site. In summary, the available evidence is currently insufficient to determine the role of this variant in disease. Therefore, it has been classified as a Variant of Uncertain Significance.

Literature cited by the submitters: PubMed 17576681; PubMed 9536098.

NM_182961.4(SYNE1):c.20862+3A>C

Gene: SYNE1 (spectrin repeat containing nuclear envelope protein 1; minus strand). Cytogenetic location: 6q25.2.
Variant type: single nucleotide variant.
Coding change: c.20862+3A>C on transcript NM_182961.4 (MANE Select); 3 bases into the intron after coding-DNA position 20862, A replaced by C.
Molecular consequence: intron variant.
Genome position (GRCh38, 1-based): chr6:152,232,113, T>G on the plus strand (A>C on the coding strand, the complement: SYNE1 is on the minus strand). VCF-style: chr6-152232113-T-G. GRCh37 (hg19) VCF-style: chr6-152553248-T-G.
Other names: c.20649+3A>C (NM_033071.5).
Identifiers: ClinVar variation 3749769 (VCV003749769.2).